The following is an entry in ClinVar:

NM_022114.4(PRDM16):c.3367G>A (p.Asp1123Asn)

Gene: PRDM16 (PR/SET domain 16; plus strand). Cytogenetic location: 1p36.32.
Variant type: single nucleotide variant.
Coding change: c.3367G>A on transcript NM_022114.4 (MANE Select); coding-DNA position 3367, G replaced by A.
Protein change: p.Asp1123Asn; replaces aspartic acid 1123 with asparagine.
Molecular consequence: missense variant.
Genome position (GRCh38, 1-based): chr1:3,430,954, G>A. VCF-style: chr1-3430954-G-A. GRCh37 (hg19) VCF-style: chr1-3347518-G-A.
Other names: c.3367G>A, p.Asp1123Asn (NM_199454.3); short protein forms D1123N.
Identifiers: ClinVar variation 4797553 (VCV004797553.1).

ClinVar aggregate classification (germline): Uncertain significance (1 of 4 stars; one submission).

Conditions:
Left ventricular noncompaction 8 (LVNC8). Identifiers: Orphanet 154, Orphanet 54260, MedGen C3809288, MONDO:0014152, OMIM 615373.

gnomAD v4.1: 8 of 1,613,416 alleles (0.0005%); highest among the groups gnomAD compares: South Asian, 0.0011%; no homozygotes.

Submission:

Labcorp Genetics (formerly Invitae), Labcorp
Classification: Uncertain significance for Left ventricular noncompaction 8. Last evaluated: 2025-06-12. Review status: criteria provided, single submitter. Criteria: Invitae Variant Classification Sherloc (09022015). Collection method: clinical testing. Allele origin: germline.
Comment: This sequence change replaces aspartic acid, which is acidic and polar, with asparagine, which is neutral and polar, at codon 1123 of the PRDM16 protein (p.Asp1123Asn). This variant is present in population databases (rs779219975, gnomAD 0.003%). This variant has not been reported in the literature in individuals affected with PRDM16-related conditions. An algorithm developed to predict the effect of missense changes on protein structure and function (PolyPhen-2) suggests that this variant is likely to be tolerated. In summary, the available evidence is currently insufficient to determine the role of this variant in disease. Therefore, it has been classified as a Variant of Uncertain Significance.